The following is an entry in ClinVar:

NM_001267550.2(TTN):c.43214-2A>G

Gene: TTN (titin; minus strand). Cytogenetic location: 2q31.2.
Variant type: single nucleotide variant.
Coding change: c.43214-2A>G on transcript NM_001267550.2 (MANE Select); the canonical splice acceptor site of the intron before coding-DNA position 43214, A replaced by G.
Molecular consequence: splice acceptor variant.
Genome position (GRCh38, 1-based): chr2:178,632,794, T>C on the plus strand (A>G on the coding strand, the complement: TTN is on the minus strand). VCF-style: chr2-178632794-T-C. GRCh37 (hg19) VCF-style: chr2-179497521-T-C.
Other names: c.16019-2A>G (NM_003319.4); c.16595-2A>G (NM_133437.4); c.16394-2A>G (NM_133432.3); c.35510-2A>G (NM_133378.4); c.38291-2A>G (NM_001256850.1).
Identifiers: ClinVar variation 2935613 (VCV002935613.3), dbSNP rs2471477845, ClinGen allele CA349651789.
Genomic context (GRCh38, chr2:178,632,794, plus strand): 5'-CTCATCTTTCTCGAAGACTTTAACATCACTGAGAGGTGTGATGAAGATAAGAGGCAATTC[T>C]GAAAGAAGTGGACAGTGGATGAAGTCAGAATACGTTTCCATTGATGACCCTTGATCAATG-3'

ClinVar aggregate classification (germline): Likely pathogenic (1 of 4 stars; one submission).

Conditions:
Dilated cardiomyopathy 1G (CMD1G). Identifiers: Orphanet 154, MedGen C1858763, MONDO:0011400, OMIM 604145.
Autosomal recessive limb-girdle muscular dystrophy type 2J (LGMDR10). Also called: Limb-girdle muscular dystrophy, type 2J; MUSCULAR DYSTROPHY, LIMB-GIRDLE, AUTOSOMAL RECESSIVE 10. Identifiers: Orphanet 140922, MedGen C1837342, MONDO:0012127, OMIM 608807.

Submission:

Labcorp Genetics (formerly Invitae), Labcorp
Classification: Likely pathogenic for Dilated cardiomyopathy 1G; Autosomal recessive limb-girdle muscular dystrophy type 2J. Last evaluated: 2024-10-28. Review status: criteria provided, single submitter. Criteria: Invitae Variant Classification Sherloc (09022015). Collection method: clinical testing. Allele origin: germline.
Comment: This sequence change affects an acceptor splice site in intron 234 of the TTN gene. It is expected to disrupt RNA splicing and likely results in a truncated or disrupted TTN protein. This variant is not present in population databases (gnomAD no frequency). This variant has not been reported in the literature in individuals affected with TTN-related conditions. Algorithms developed to predict the effect of sequence changes on RNA splicing suggest that this variant may disrupt the consensus splice site. This variant is located in the I band of TTN (PMID: 25589632). Truncating variants in this region have been reported in individuals affected with autosomal recessive centronuclear myopathy (PMID: 23975875, internal data). Truncating variants in this region have also been identified in individuals affected with autosomal dominant dilated cardiomyopathy and/or cardio-related conditions (PMID: 27869827, 32964742, internal data). In summary, the currently available evidence indicates that the variant is pathogenic, but additional data are needed to prove that conclusively. Therefore, this variant has been classified as Likely Pathogenic.

Literature cited by the submitters: PubMed 25589632; PubMed 23975875; PubMed 27869827; PubMed 32964742.